The following is an entry in ClinVar:

ClinVar aggregate classification (germline): Uncertain significance (1 of 4 stars; one submission).

Conditions:
Inborn genetic diseases. Identifiers: MedGen C0950123, MeSH D030342.

Submission:

Ambry Genetics
Classification: Uncertain significance for Inborn genetic diseases. Last evaluated: 2025-03-29. Review status: criteria provided, single submitter. Criteria: Ambry Variant Classification Scheme 2023. Collection method: clinical testing. Allele origin: germline.
Comment: The p.Q675R variant (also known as c.2024A>G), located in coding exon 22 of the RTEL1 gene, results from an A to G substitution at nucleotide position 2024. The glutamine at codon 675 is replaced by arginine, an amino acid with highly similar properties. This amino acid position is conserved. In addition, this alteration is predicted to be tolerated by in silico analysis. Based on the available evidence, the clinical significance of this variant remains unclear.

NM_001283009.2(RTEL1):c.2024A>G (p.Gln675Arg)

Genes: RTEL1 (regulator of telomere elongation helicase 1; plus strand), RTEL1-TNFRSF6B (RTEL1-TNFRSF6B readthrough (NMD candidate); plus strand). Cytogenetic location: 20q13.33.
Variant type: single nucleotide variant.
Coding change: c.2024A>G on transcript NM_001283009.2 (MANE Select); coding-DNA position 2024, A replaced by G.
Protein change: p.Gln675Arg; replaces glutamine 675 with arginine.
Molecular consequence: missense variant. On other transcripts: non-coding transcript variant (1).
Genome position (GRCh38, 1-based): chr20:63,689,647, A>G. VCF-style: chr20-63689647-A-G. GRCh37 (hg19) VCF-style: chr20-62321000-A-G.
Other names: c.1355A>G, p.Gln452Arg (NM_001283010.1); c.2024A>G, p.Gln675Arg (NM_016434.4); c.2096A>G, p.Gln699Arg (NM_032957.5); short protein forms Q452R, Q675R, Q699R.
Identifiers: ClinVar variation 3948272 (VCV003948272.1).